The following is an entry in ClinVar:

ClinVar aggregate classification (germline): Uncertain significance. Review status: criteria provided, single submitter (1 of 4 stars). 2 submissions from 2 submitters: Uncertain significance (1). 1 of the submissions does not count toward it. Last evaluated 2025-05-06.

Conditions:
Inborn genetic diseases. Identifiers: MedGen C0950123, MeSH D030342.
POLR2A-related disorder. Also called: POLR2A-related condition.

Allele frequency attached by ClinVar (database versions not stated): ExAC 0.00001; gnomAD 0.00001; gnomAD exomes below 0.00001.

Submissions (2):

Ambry Genetics
Classification: Uncertain significance for Inborn genetic diseases. Last evaluated: 2025-05-06. Review status: criteria provided, single submitter. Criteria: Ambry Variant Classification Scheme 2023. Collection method: clinical testing. Allele origin: germline.

PreventionGenetics, part of Exact Sciences
Classification: Uncertain significance for POLR2A-related condition. Last evaluated: 2023-10-25. Review status: no assertion criteria provided. Collection method: clinical testing. Allele origin: germline. Not counted in ClinVar's aggregate classification.
Comment: The POLR2A c.5296T>C variant is predicted to result in the amino acid substitution p.Ser1766Pro. To our knowledge, this variant has not been reported in the literature. This variant is reported in 0.0058% of alleles in individuals of Latino descent in gnomAD. At this time, the clinical significance of this variant is uncertain due to the absence of conclusive functional and genetic evidence.

NM_000937.5(POLR2A):c.5296T>C (p.Ser1766Pro)

Gene: POLR2A (RNA polymerase II subunit A; plus strand). Cytogenetic location: 17p13.1.
Variant type: single nucleotide variant.
Coding change: c.5296T>C on transcript NM_000937.5 (MANE Select); coding-DNA position 5296, T replaced by C.
Protein change: p.Ser1766Pro; replaces serine 1766 with proline.
Molecular consequence: missense variant.
Genome position (GRCh38, 1-based): chr17:7,513,560, T>C. VCF-style: chr17-7513560-T-C. GRCh37 (hg19) VCF-style: chr17-7416879-T-C.
Other names: short protein forms S1766P.
Identifiers: ClinVar variation 3045919 (VCV003045919.3), dbSNP rs763308747, ClinGen allele CA8350540.